The following is an entry in ClinVar:

NM_001101.5(ACTB):c.1017G>C (p.Val339=)

Gene: ACTB (actin beta; minus strand). Cytogenetic location: 7p22.1.
Variant type: single nucleotide variant.
Coding change: c.1017G>C on transcript NM_001101.5 (MANE Select); coding-DNA position 1017, G replaced by C.
Protein change: p.Val339=; no amino-acid change (valine 339 retained).
Molecular consequence: synonymous variant.
Genome position (GRCh38, 1-based): chr7:5,527,859, C>G on the plus strand (G>C on the coding strand, the complement: ACTB is on the minus strand). VCF-style: chr7-5527859-C-G. GRCh37 (hg19) VCF-style: chr7-5567490-C-G.
Identifiers: ClinVar variation 697397 (VCV000697397.15), dbSNP rs201416978, ClinGen allele CA4146847.

ClinVar aggregate classification (germline): Benign. Review status: criteria provided, multiple submitters, no conflicts (2 of 4 stars). 5 submissions from 4 submitters: Benign (4). 1 of the submissions does not count toward it. Last evaluated 2025-12-24.

Conditions:
Developmental malformations-deafness-dystonia syndrome (DDS1). Identifiers: Orphanet 79107, MedGen C5848323, MONDO:0011823, OMIM 607371.
Baraitser-Winter syndrome 1 (BRWS1). Also called: BARAITSER-WINTER SYNDROME 1, ATYPICAL; Cerebrofrontofacial syndrome; PACHYGYRIA, MENTAL RETARDATION, EPILEPSY, AND CHARACTERISTIC FACIES; MENTAL RETARDATION WITH EPILEPSY AND CHARACTERISTIC FACIES. Identifiers: Orphanet 2649, Orphanet 2995, MedGen C1855722, MONDO:0009470, OMIM 243310.
ACTB-related disorder. Also called: ACTB-related disorders; ACTB-related condition.

Allele frequency attached by ClinVar (database versions not stated): gnomAD 0.00004 and 0.00005; ExAC 0.00007; gnomAD exomes 0.00010; TOPMed 0.00011; 1000 Genomes Project 30x 0.00031; 1000 Genomes Project 0.00040.
gnomAD v4.1: 48 of 1,614,078 alleles (0.003%); highest among the groups gnomAD compares: East Asian, 0.082%; no homozygotes.

Submissions (5):

Labcorp Genetics (formerly Invitae), Labcorp
Classification: Benign for Baraitser-Winter syndrome 1. Last evaluated: 2025-12-24. Review status: criteria provided, single submitter. Criteria: Invitae Variant Classification Sherloc (09022015). Collection method: clinical testing. Allele origin: germline.

Genome-Nilou Lab
Classification: Benign for Baraitser-Winter syndrome 1. Last evaluated: 2021-12-05. Review status: criteria provided, single submitter. Criteria: ACMG Guidelines, 2015. Collection method: clinical testing. Allele origin: germline. Affected: no.

Genome-Nilou Lab
Classification: Benign for Developmental malformations-deafness-dystonia syndrome. Last evaluated: 2021-12-05. Review status: criteria provided, single submitter. Criteria: ACMG Guidelines, 2015. Collection method: clinical testing. Allele origin: germline. Affected: no.

GeneDx
Classification: Benign. Last evaluated: 2021-10-23. Review status: criteria provided, single submitter. Criteria: GeneDx Variant Classification Process June 2021. Collection method: clinical testing. Allele origin: germline. Affected: yes.

PreventionGenetics, part of Exact Sciences
Classification: Likely benign for ACTB-related condition. Last evaluated: 2019-10-15. Review status: no assertion criteria provided. Collection method: clinical testing. Allele origin: germline. Not counted in ClinVar's aggregate classification.
Comment: This variant is classified as likely benign based on ACMG/AMP sequence variant interpretation guidelines (Richards et al. 2015 PMID: 25741868, with internal and published modifications).